The following is an entry in ClinVar:

ClinVar aggregate classification (germline): Uncertain significance. Review status: criteria provided, multiple submitters, no conflicts (2 of 4 stars). 3 submissions from 3 submitters: Uncertain significance (3). Last evaluated 2023-06-21.

Conditions:
Inborn genetic diseases. Identifiers: MedGen C0950123, MeSH D030342.
Hearing impairment. Also called: Impaired Hearing. Identifiers: MedGen C1384666, MONDO:0005365, HP:0000365.

Allele frequency attached by ClinVar (database versions not stated): gnomAD exomes 0.00003 and 0.00006; gnomAD 0.00004; TOPMed 0.00005; ExAC 0.00008; ESP Exome Variant Server 0.00008; 1000 Genomes Project 30x 0.00016; 1000 Genomes Project 0.00020.
gnomAD v4.1: 57 of 1,613,978 alleles (0.0035%); highest among the groups gnomAD compares: Admixed American, 0.013%; no homozygotes.

Submissions (3):

GeneDx
Classification: Uncertain significance. Last evaluated: 2023-06-21. Review status: criteria provided, single submitter. Criteria: GeneDx Variant Classification Process June 2021. Collection method: clinical testing. Allele origin: germline. Affected: yes.
Comment: In silico analysis supports that this missense variant does not alter protein structure/function; Has not been previously published as pathogenic or benign to our knowledge

Ambry Genetics
Classification: Uncertain significance for Inborn genetic diseases. Last evaluated: 2021-09-01. Review status: criteria provided, single submitter. Criteria: Ambry Variant Classification Scheme 2023. Collection method: clinical testing. Allele origin: germline.

Department of Otolaryngology – Head & Neck Surgery, Cochlear Implant Center
Classification: Uncertain significance for Hearing impairment. Last evaluated: 2021-04-12. Review status: criteria provided, single submitter. Criteria: ClinGen HL ACMG Specifications v1. Collection method: clinical testing. Allele origin: germline. Affected: yes.
Comment: PM2_Moderate, BP4_Supporting

NM_016239.4(MYO15A):c.8281G>A (p.Val2761Met)

Gene: MYO15A (myosin XVA; plus strand). Cytogenetic location: 17p11.2.
Variant type: single nucleotide variant.
Coding change: c.8281G>A on transcript NM_016239.4 (MANE Select); coding-DNA position 8281, G replaced by A.
Protein change: p.Val2761Met; replaces valine 2761 with methionine.
Molecular consequence: missense variant.
Genome position (GRCh38, 1-based): chr17:18,155,166, G>A. VCF-style: chr17-18155166-G-A. GRCh37 (hg19) VCF-style: chr17-18058480-G-A.
Other names: short protein forms V2761M.
Identifiers: ClinVar variation 1065016 (VCV001065016.7), dbSNP rs367717396, ClinGen allele CA8425113.